The following is an entry in ClinVar:

NM_000355.4(TCN2):c.482T>C (p.Ile161Thr)

Gene: TCN2 (transcobalamin 2; plus strand). Cytogenetic location: 22q12.2.
Variant type: single nucleotide variant.
Coding change: c.482T>C on transcript NM_000355.4 (MANE Select); coding-DNA position 482, T replaced by C.
Protein change: p.Ile161Thr; replaces isoleucine 161 with threonine.
Molecular consequence: missense variant.
Genome position (GRCh38, 1-based): chr22:30,614,403, T>C. VCF-style: chr22-30614403-T-C. GRCh37 (hg19) VCF-style: chr22-31010390-T-C.
Other names: c.401T>C, p.Ile134Thr (NM_001184726.2); c.482T>C (NM_000355.3); short protein forms I134T, I161T.
Identifiers: ClinVar variation 1518974 (VCV001518974.8), dbSNP rs763642038, ClinGen allele CA10184674.

ClinVar aggregate classification (germline): Uncertain significance. Review status: criteria provided, multiple submitters, no conflicts (2 of 4 stars). 2 submissions from 2 submitters: Uncertain significance (2). Last evaluated 2023-12-11.

Conditions:
Transcobalamin II deficiency (TCN2D). Also called: Transcolabamin II deficiency; TC II DEFICIENCY; TCN2 DEFICIENCY. Identifiers: Orphanet 859, MedGen C0342701, MONDO:0010149, OMIM 275350.
Inborn genetic diseases. Identifiers: MedGen C0950123, MeSH D030342.

Allele frequency attached by ClinVar (database versions not stated): gnomAD exomes 0.00003 and 0.00007; ExAC 0.00007.
gnomAD v4.1: 37 of 1,614,164 alleles (0.0023%); highest among the groups gnomAD compares: South Asian, 0.04%; no homozygotes.

Submissions (2):

Labcorp Genetics (formerly Invitae), Labcorp
Classification: Uncertain significance for Transcobalamin II deficiency. Last evaluated: 2023-12-11. Review status: criteria provided, single submitter. Criteria: Invitae Variant Classification Sherloc (09022015). Collection method: clinical testing. Allele origin: germline.
Comment: This sequence change replaces isoleucine, which is neutral and non-polar, with threonine, which is neutral and polar, at codon 161 of the TCN2 protein (p.Ile161Thr). This variant is present in population databases (rs763642038, gnomAD 0.06%). This variant has not been reported in the literature in individuals affected with TCN2-related conditions. ClinVar contains an entry for this variant (Variation ID: 1518974). Advanced modeling of protein sequence and biophysical properties (such as structural, functional, and spatial information, amino acid conservation, physicochemical variation, residue mobility, and thermodynamic stability) performed at Invitae indicates that this missense variant is expected to disrupt TCN2 protein function with a positive predictive value of 80%. In summary, the available evidence is currently insufficient to determine the role of this variant in disease. Therefore, it has been classified as a Variant of Uncertain Significance.

Ambry Genetics
Classification: Uncertain significance for Inborn genetic diseases. Last evaluated: 2023-05-05. Review status: criteria provided, single submitter. Criteria: Ambry Variant Classification Scheme 2023. Collection method: clinical testing. Allele origin: germline.